The following is an entry in ClinVar:

NM_000535.7(PMS2):c.521A>C (p.Gln174Pro)

Gene: PMS2 (PMS1 homolog 2, mismatch repair system component; minus strand). Cytogenetic location: 7p22.1.
Variant type: single nucleotide variant.
Coding change: c.521A>C on transcript NM_000535.7 (MANE Select); coding-DNA position 521, A replaced by C.
Protein change: p.Gln174Pro; replaces glutamine 174 with proline.
Molecular consequence: missense variant. On other transcripts: 5 prime UTR variant (2), non-coding transcript variant (1).
Genome position (GRCh38, 1-based): chr7:6,002,469, T>G on the plus strand (A>C on the coding strand, the complement: PMS2 is on the minus strand). VCF-style: chr7-6002469-T-G. GRCh37 (hg19) VCF-style: chr7-6042100-T-G.
Other names: c.116A>C, p.Gln39Pro (NM_001018040.1, NM_001322003.2, NM_001322004.2 and 25 more transcripts); c.521A>C, p.Gln174Pro (NM_001322006.2, NM_001322014.2, NM_001406869.1 and 8 more transcripts); c.203A>C, p.Gln68Pro (NM_001322007.2, NM_001322008.2, NM_001406876.1 and 4 more transcripts); c.-364A>C (NM_001322011.2, NM_001322012.2); c.212A>C, p.Gln71Pro (NM_001322015.2, NM_001406875.1, NM_001406877.1 and 6 more transcripts); c.707A>C, p.Gln236Pro (NM_001406866.1); c.545A>C, p.Gln182Pro (NM_001406868.1); short protein forms Q174P, Q182P, Q236P, Q39P, Q68P, Q71P.
Identifiers: ClinVar variation 1719413 (VCV001719413.5), dbSNP rs775034984, ClinGen allele CA366744183.
Genomic context (GRCh38, chr7:6,002,469, plus strand): 5'-TGCATTAACCAATACTCTTGAAAACCAGGATTAATTTACTGTACCTTCTTAATATTCCTT[T>G]GAAATTCCTTATGGCGCACAGGTAGTGTGGAAAATAACTGCTGCACGCTGACTGTGGTCC-3'
Protein context (NP_000526.2, residues 164-184): STLPVRHKEF[Gln174Pro]RNIKKEYAKM

ClinVar aggregate classification (germline): Uncertain significance (1 of 4 stars; one submission).

Conditions:
Hereditary nonpolyposis colorectal neoplasms. Identifiers: MedGen C0009405, MeSH D003123.

Submission:

Labcorp Genetics (formerly Invitae), Labcorp
Classification: Uncertain significance for Hereditary nonpolyposis colorectal neoplasms. Last evaluated: 2024-05-06. Review status: criteria provided, single submitter. Criteria: Invitae Variant Classification Sherloc (09022015). Collection method: clinical testing. Allele origin: germline.
Comment: This sequence change replaces glutamine, which is neutral and polar, with proline, which is neutral and non-polar, at codon 174 of the PMS2 protein (p.Gln174Pro). This variant is not present in population databases (gnomAD no frequency). This variant has not been reported in the literature in individuals affected with PMS2-related conditions. ClinVar contains an entry for this variant (Variation ID: 1719413). Advanced modeling of protein sequence and biophysical properties (such as structural, functional, and spatial information, amino acid conservation, physicochemical variation, residue mobility, and thermodynamic stability) performed at Invitae indicates that this missense variant is expected to disrupt PMS2 protein function with a positive predictive value of 80%. In summary, the available evidence is currently insufficient to determine the role of this variant in disease. Therefore, it has been classified as a Variant of Uncertain Significance.